The following is an entry in ClinVar:

NM_003366.4(UQCRC2):c.379C>T (p.Arg127Trp)

Genes: PDZD9 (PDZ domain containing 9), UQCRC2 (ubiquinol-cytochrome c reductase core protein 2). Cytogenetic location: 16p12.2.
Variant type: single nucleotide variant.
Coding change: c.379C>T on transcript NM_003366.4 (MANE Select); coding-DNA position 379, C replaced by T.
Protein change: p.Arg127Trp; replaces arginine 127 with tryptophan.
Molecular consequence: missense variant.
Genome position (GRCh38, 1-based): chr16:21,962,506, C>T. VCF-style: chr16-21962506-C-T. GRCh37 (hg19) VCF-style: chr16-21973827-C-T.
Other names: short protein forms R127W.
Identifiers: ClinVar variation 4846958 (VCV004846958.1).

ClinVar aggregate classification (germline): Uncertain significance (1 of 4 stars; one submission).

Conditions:
Mitochondrial complex III deficiency nuclear type 5. Identifiers: MedGen C3554608, MONDO:0014066, OMIM 615160.

gnomAD v4.1: 31 of 1,613,978 alleles (0.0019%); highest among the groups gnomAD compares: South Asian, 0.0044%; no homozygotes.

Submission:

Laboratorio de Genetica e Diagnostico Molecular, Hospital Israelita Albert Einstein
Classification: Uncertain significance for Mitochondrial complex III deficiency nuclear type 5. Last evaluated: 2026-03-26. Review status: criteria provided, single submitter. Criteria: ACMG Guidelines, 2015. Collection method: clinical testing. Allele origin: germline. Affected: yes.
Comment: ACMG classification criteria: PM2 supporting, PM3 moderate